The following is an entry in ClinVar:

ClinVar aggregate classification (germline): Likely pathogenic (1 of 4 stars; one submission).

Conditions:
Severe early-childhood-onset retinal dystrophy (STGD1). Also called: Stargardt macular dystrophy; Juvenile onset macular degeneration; Stargardt disease 1; MACULAR DYSTROPHY WITH FLECKS, TYPE 1; STGD. Identifiers: Orphanet 364055, Orphanet 827, MedGen C1855465, MeSH D000080362, MONDO:0009549, OMIM 248200.
Age related macular degeneration 2. Also called: MACULAR DEGENERATION, SENILE; MACULOPATHY, AGE-RELATED, 2; MACULOPATHY, AGE-RELATED. Identifiers: MedGen C3495438, MONDO:0007932, OMIM 153800.
Cone-rod dystrophy 3 (CORD3). Identifiers: Orphanet 1872, MedGen C1858806, MONDO:0011395, OMIM 604116.
Retinitis pigmentosa 19 (RP19). Also called: ABCA4-Related Retinitis Pigmentosa. Identifiers: Orphanet 791, MedGen C1866422, MONDO:0011137, OMIM 601718.

Submission:

Juno Genomics, Hangzhou Juno Genomics, Inc
Classification: Likely pathogenic for Age related macular degeneration 2; Cone-rod dystrophy 3; Severe early-childhood-onset retinal dystrophy; Retinitis pigmentosa 19. Review status: criteria provided, single submitter. Criteria: ACMG Guidelines, 2015. Collection method: clinical testing. Allele origin: germline. Affected: yes.
Comment: Absent from controls (or at extremely low frequency if recessive) in Genome Aggregation Database, Exome Sequencing Project, 1000 Genomes Project, or Exome Aggregation Consortium.;Multiple lines of computational evidence support a deleterious effect on the gene or gene product (conservation, evolutionary, splicing impact, etc).;For recessive disorders, detected in trans with a pathogenic variant.;Patient's phenotype or family history is highly specific for a disease with a single genetic etiology.

NM_000350.3(ABCA4):c.1835A>C (p.Gln612Pro)

Gene: ABCA4 (ATP binding cassette subfamily A member 4; minus strand). Cytogenetic location: 1p22.1.
Variant type: single nucleotide variant.
Coding change: c.1835A>C on transcript NM_000350.3 (MANE Select); coding-DNA position 1835, A replaced by C.
Protein change: p.Gln612Pro; replaces glutamine 612 with proline.
Molecular consequence: missense variant.
Genome position (GRCh38, 1-based): chr1:94,062,679, T>G on the plus strand (A>C on the coding strand, the complement: ABCA4 is on the minus strand). VCF-style: chr1-94062679-T-G. GRCh37 (hg19) VCF-style: chr1-94528235-T-G.
Other names: c.1835A>C, p.Gln612Pro (NM_001425324.1); short protein forms Q612P.
Identifiers: ClinVar variation 3382304 (VCV003382304.2).